The following is an entry in ClinVar:

NM_001197104.2(KMT2A):c.8477C>G (p.Thr2826Ser)

Gene: KMT2A (lysine methyltransferase 2A; plus strand). Cytogenetic location: 11q23.3.
Variant type: single nucleotide variant.
Coding change: c.8477C>G on transcript NM_001197104.2 (MANE Select); coding-DNA position 8477, C replaced by G.
Protein change: p.Thr2826Ser; replaces threonine 2826 with serine.
Molecular consequence: missense variant.
Genome position (GRCh38, 1-based): chr11:118,504,369, C>G. VCF-style: chr11-118504369-C-G. GRCh37 (hg19) VCF-style: chr11-118375084-C-G.
Other names: c.8567C>G, p.Thr2856Ser (NM_001412597.1); c.8468C>G, p.Thr2823Ser (NM_005933.4); short protein forms T2826S, T2823S, T2856S.
Identifiers: ClinVar variation 3667854 (VCV003667854.2).

ClinVar aggregate classification (germline): Uncertain significance (1 of 4 stars; one submission).

gnomAD v4.1: 3 of 1,614,150 alleles (0.00019%); highest among the groups gnomAD compares: Non-Finnish European, 0.00025%; no homozygotes.

Submission:

Labcorp Genetics (formerly Invitae), Labcorp
Classification: Uncertain significance. Last evaluated: 2024-11-27. Review status: criteria provided, single submitter. Criteria: Invitae Variant Classification Sherloc (09022015). Collection method: clinical testing. Allele origin: germline.
Comment: This sequence change replaces threonine, which is neutral and polar, with serine, which is neutral and polar, at codon 2826 of the KMT2A protein (p.Thr2826Ser). This variant is not present in population databases (gnomAD no frequency). This variant has not been reported in the literature in individuals affected with KMT2A-related conditions. Invitae Evidence Modeling of protein sequence and biophysical properties (such as structural, functional, and spatial information, amino acid conservation, physicochemical variation, residue mobility, and thermodynamic stability) indicates that this missense variant is not expected to disrupt KMT2A protein function with a negative predictive value of 95%. In summary, the available evidence is currently insufficient to determine the role of this variant in disease. Therefore, it has been classified as a Variant of Uncertain Significance.